The following is an entry in ClinVar:

NM_002223.4(ITPR2):c.2826C>T (p.Ser942=)

Gene: ITPR2 (inositol 1,4,5-trisphosphate receptor type 2; minus strand). Cytogenetic location: 12p11.23.
Variant type: single nucleotide variant.
Coding change: c.2826C>T on transcript NM_002223.4 (MANE Select); coding-DNA position 2826, C replaced by T.
Protein change: p.Ser942=; no amino-acid change (serine 942 retained).
Molecular consequence: synonymous variant.
Genome position (GRCh38, 1-based): chr12:26,631,974, G>A on the plus strand (C>T on the coding strand, the complement: ITPR2 is on the minus strand). VCF-style: chr12-26631974-G-A. GRCh37 (hg19) VCF-style: chr12-26784907-G-A.
Other names: c.2823C>T, p.Ser941= (NM_001414174.1); c.2826C>T, p.Ser942= (NM_001414175.1).
Identifiers: ClinVar variation 3038755 (VCV003038755.2), dbSNP rs547097786, ClinGen allele CA6489475.

ClinVar aggregate classification (germline): Likely benign (0 of 4 stars; one submission).

Conditions:
ITPR2-related disorder. Also called: ITPR2-related condition.

Allele frequency attached by ClinVar (database versions not stated): gnomAD 0.00001; TOPMed 0.00001; ExAC 0.00003; 1000 Genomes Project 30x 0.00016; 1000 Genomes Project 0.00040.
gnomAD v4.1: 26 of 1,613,536 alleles (0.0016%); highest among the groups gnomAD compares: Admixed American, 0.032%; no homozygotes.

Submission:

PreventionGenetics, part of Exact Sciences
Classification: Likely benign for ITPR2-related condition. Last evaluated: 2019-05-23. Review status: no assertion criteria provided. Collection method: clinical testing. Allele origin: germline.
Comment: This variant is classified as likely benign based on ACMG/AMP sequence variant interpretation guidelines (Richards et al. 2015 PMID: 25741868, with internal and published modifications).